The following is an entry in ClinVar:

ClinVar aggregate classification (germline): Conflicting classifications of pathogenicity. Review status: criteria provided, conflicting classifications (1 of 4 stars). 3 submissions from 3 submitters: Uncertain significance (2); Likely benign (1). Last evaluated 2023-04-01.

Conditions:
Stuve-Wiedemann syndrome (STWS). Also called: Stüve-Wiedemann syndrome. Identifiers: Orphanet 3206, MedGen C0796176, MONDO:0031280.

Allele frequency attached by ClinVar (database versions not stated): 1000 Genomes Project 30x 0.00328; 1000 Genomes Project 0.00339; gnomAD 0.00464 and 0.00474.
gnomAD v4.1: 870 of 187,112 alleles (0.46%); highest among the groups gnomAD compares: Admixed American, 0.87%; 11 homozygotes.

Submissions (3):

CeGaT Center for Human Genetics Tuebingen
Classification: Likely benign. Last evaluated: 2023-04-01. Review status: criteria provided, single submitter. Criteria: CeGaT Center For Human Genetics Tuebingen Variant Classification Criteria Version 2. Collection method: clinical testing. Allele origin: germline. Affected: yes. Observed: 2 variant alleles.
Comment: LIFR: BS2

Illumina Laboratory Services, Illumina
Classification: Uncertain significance for Stüve-Wiedemann syndrome 1. Last evaluated: 2018-01-13. Review status: criteria provided, single submitter. Criteria: ICSL Variant Classification Criteria 13 December 2019. Collection method: clinical testing. Allele origin: germline.

Breakthrough Genomics
Classification: Uncertain significance. Review status: criteria provided, single submitter. Criteria: ACMG Guidelines, 2015. Collection method: not provided. Allele origin: germline. Inheritance: Autosomal recessive inheritance. Affected: yes.

NM_001127671.2(LIFR):c.*6395T>C

Gene: LIFR (LIF receptor subunit alpha; minus strand). Cytogenetic location: 5p13.1.
Variant type: single nucleotide variant.
Coding change: c.*6395T>C on transcript NM_001127671.2 (MANE Select); 6395 bases downstream of the stop codon, T replaced by C.
Molecular consequence: 3 prime UTR variant.
Genome position (GRCh38, 1-based): chr5:38,475,200, A>G on the plus strand (T>C on the coding strand, the complement: LIFR is on the minus strand). VCF-style: chr5-38475200-A-G. GRCh37 (hg19) VCF-style: chr5-38475302-A-G.
Other names: c.*6395T>C (NM_001364297.2, NM_001364298.2, NM_002310.6).
Identifiers: ClinVar variation 907138 (VCV000907138.29), dbSNP rs141407987, ClinGen allele CA117129825.
Genomic context (GRCh38, chr5:38,475,200, plus strand): 5'-ATGTTTTCCAAAAGATACAGAAACTAAATTCTGAAATTATACAATGATATAAAGTGTCCA[A>G]ATTTCCCATTCTAACAGCAATTTAAAATCCAAATTTTCACAAGGCAGGAAATGCTTCAGT-3'